The following is an entry in ClinVar:

ClinVar aggregate classification (germline): Pathogenic. Review status: criteria provided, multiple submitters, no conflicts (2 of 4 stars). 5 submissions from 5 submitters: Pathogenic (4). 1 of the submissions does not count toward it. Last evaluated 2024-09-25.

Conditions:
Myofibrillar myopathy 5. Also called: Filaminopathy (type); FILAMINOPATHY, AUTOSOMAL DOMINANT. Identifiers: Orphanet 171445, MedGen C1836050, MONDO:0012289, OMIM 609524.
Distal myopathy with posterior leg and anterior hand involvement. Also called: WILLIAMS DISTAL MYOPATHY. Identifiers: Orphanet 63273, MedGen C3279722, MONDO:0013550, OMIM 614065.
Hypertrophic cardiomyopathy 26. Also called: Cardiomyopathy, familial hypertrophic, 26. Identifiers: Orphanet 75249, MedGen C4310749, MONDO:0014883, OMIM 617047.
Myofibrillar myopathy. Identifiers: Orphanet 593, MedGen C2678065, MONDO:0018943, HP:0003715.

Submissions (5):

Revvity Omics, Revvity
Classification: Pathogenic. Last evaluated: 2024-09-25. Review status: criteria provided, single submitter. Criteria: ACMG Guidelines, 2015. Collection method: clinical testing. Allele origin: germline.

Labcorp Genetics (formerly Invitae), Labcorp
Classification: Pathogenic for Distal myopathy with posterior leg and anterior hand involvement; Myofibrillar myopathy 5; Hypertrophic cardiomyopathy 26. Last evaluated: 2024-08-15. Review status: criteria provided, single submitter. Criteria: Invitae Variant Classification Sherloc (09022015). Collection method: clinical testing. Allele origin: germline.
Comment: This sequence change creates a premature translational stop signal (p.Trp2710*) in the FLNC gene. While this is not anticipated to result in nonsense mediated decay, it is expected to disrupt the last 16 amino acid(s) of the FLNC protein. This variant is not present in population databases (gnomAD no frequency). This premature translational stop signal has been observed in individuals with filaminopathy (PMID: 15929027, 22961544). It has also been observed to segregate with disease in related individuals. ClinVar contains an entry for this variant (Variation ID: 694402). Algorithms developed to predict the effect of variants on gene product structure and function are not available or were not evaluated for this variant. Experimental studies have shown that this premature translational stop signal affects FLNC function (PMID: 22961544, 26472074, 26969713). Algorithms developed to predict the effect of sequence changes on RNA splicing suggest that this variant may create or strengthen a splice site. For these reasons, this variant has been classified as Pathogenic.

Institute of Medical Genetics and Applied Genomics, University Hospital Tübingen
Classification: Pathogenic. Last evaluated: 2020-10-23. Review status: criteria provided, single submitter. Criteria: ACMG Guidelines, 2015. Collection method: clinical testing. Allele origin: germline. Inheritance: Autosomal dominant inheritance. Affected: yes.

Kowloon West Cluster Laboratory Genetic Service, Princess Margaret Hospital
Classification: Pathogenic for Myofibrillar myopathy. Last evaluated: 2019-11-12. Review status: criteria provided, single submitter. Criteria: ACMG Guidelines, 2015. Collection method: clinical testing. Allele origin: germline. Inheritance: Autosomal dominant inheritance. Affected: yes. Observed: 26 variant alleles, 26 heterozygotes.
Comment: The variant has been observed to segregate in symptomatic individuals in seven Hong Kong Chinese families with probable founder effect. The variant is absent in gnomAD. The variant is predicted to cause a premature stop codon p.Trp2710* in the last exon. Another neighboring variant c.8130G>A is also a known pathogenic variant.

OMIM
Classification: Pathogenic for MYOPATHY, MYOFIBRILLAR, 5. Last evaluated: 2021-01-22. Review status: no assertion criteria provided. Collection method: literature only. Allele origin: germline. Not counted in ClinVar's aggregate classification.

Literature cited by the submitters: PubMed 15929027 (cited by Labcorp Genetics (formerly Invitae), Labcorp); PubMed 22961544 (cited by Labcorp Genetics (formerly Invitae), Labcorp); PubMed 26472074 (cited by Labcorp Genetics (formerly Invitae), Labcorp); PubMed 26969713 (cited by Labcorp Genetics (formerly Invitae), Labcorp); PubMed 32022900 (cited by OMIM).

NM_001458.5(FLNC):c.8129G>A (p.Trp2710Ter)

Genes: FLNC (filamin C; plus strand), FLNC-AS1 (FLNC antisense RNA 1; minus strand). Cytogenetic location: 7q32.1.
Variant type: single nucleotide variant.
Coding change: c.8129G>A on transcript NM_001458.5 (MANE Select); coding-DNA position 8129, G replaced by A.
Protein change: p.Trp2710Ter; replaces tryptophan 2710 with a stop codon.
Molecular consequence: nonsense.
Genome position (GRCh38, 1-based): chr7:128,858,474, G>A. VCF-style: chr7-128858474-G-A. GRCh37 (hg19) VCF-style: chr7-128498528-G-A.
Other names: FLNC, TRP2710TER, c.8129G-A; c.8030G>A, p.Trp2677Ter (NM_001127487.2); short protein forms W2677*, W2710*.
Identifiers: ClinVar variation 694402 (VCV000694402.18), dbSNP rs1585173340, ClinGen allele CA369221964.